The following is an entry in ClinVar:

ClinVar aggregate classification (germline): Uncertain significance (1 of 4 stars; one submission).

Conditions:
Emery-Dreifuss muscular dystrophy 4, autosomal dominant (EDMD4). Also called: EMERY-DREIFUSS MUSCULAR DYSTROPHY 4 WITH VARIABLE FEATURES. Identifiers: Orphanet 261, MedGen C2751807, MONDO:0013071, OMIM 612998.
Autosomal recessive ataxia, Beauce type. Also called: SYNE1 Deficiency; Spinocerebellar ataxia, autosomal recessive 8; ATAXIA, RECESSIVE, OF BEAUCE; SYNE1-Related Autosomal Recessive Cerebellar Ataxia. Identifiers: Orphanet 88644, MedGen C1853116, MONDO:0012549, OMIM 610743.

Submission:

Labcorp Genetics (formerly Invitae), Labcorp
Classification: Uncertain significance for Emery-Dreifuss muscular dystrophy 4, autosomal dominant; Autosomal recessive ataxia, Beauce type. Last evaluated: 2022-06-14. Review status: criteria provided, single submitter. Criteria: Invitae Variant Classification Sherloc (09022015). Collection method: clinical testing. Allele origin: germline.
Comment: In summary, the available evidence is currently insufficient to determine the role of this variant in disease. Therefore, it has been classified as a Variant of Uncertain Significance. Algorithms developed to predict the effect of missense changes on protein structure and function are either unavailable or do not agree on the potential impact of this missense change (SIFT: "Deleterious"; PolyPhen-2: "Possibly Damaging"; Align-GVGD: "Class C0"). This variant has not been reported in the literature in individuals affected with SYNE1-related conditions. This variant is not present in population databases (gnomAD no frequency). This sequence change replaces isoleucine, which is neutral and non-polar, with threonine, which is neutral and polar, at codon 482 of the SYNE1 protein (p.Ile482Thr).

NM_182961.4(SYNE1):c.1424T>C (p.Ile475Thr)

Gene: SYNE1 (spectrin repeat containing nuclear envelope protein 1; minus strand). Cytogenetic location: 6q25.2.
Variant type: single nucleotide variant.
Coding change: c.1424T>C on transcript NM_182961.4 (MANE Select); coding-DNA position 1424, T replaced by C.
Protein change: p.Ile475Thr; replaces isoleucine 475 with threonine.
Molecular consequence: missense variant.
Genome position (GRCh38, 1-based): chr6:152,472,340, A>G on the plus strand (T>C on the coding strand, the complement: SYNE1 is on the minus strand). VCF-style: chr6-152472340-A-G. GRCh37 (hg19) VCF-style: chr6-152793475-A-G.
Other names: c.1445T>C, p.Ile482Thr (NM_033071.5); short protein forms I482T, I475T.
Identifiers: ClinVar variation 1977467 (VCV001977467.5), dbSNP rs2504529604, ClinGen allele CA366134063.
Genomic context (GRCh38, chr6:152,472,340, plus strand): 5'-TAAATGCAGATATTCTCTTACCTCTCGGCCATGTCCTCTAATTGATCAGGTGGCACTGGA[A>G]TCCCGTTAACAGACCTGGTCCGGTAGATTTCATGGAATGCTCTTTTGTGGGCATCCGTGT-3'
Protein context (NP_892006.3, residues 465-485): EIYRTRSVNG[Ile475Thr]PVPPDQLEDM